The following is an entry in ClinVar:

ClinVar aggregate classification (germline): Uncertain significance. Review status: criteria provided, multiple submitters, no conflicts (2 of 4 stars). 4 submissions from 4 submitters: Uncertain significance (4). Last evaluated 2025-04-22.

Conditions:
Intellectual developmental disorder, autosomal dominant 56. Also called: MENTAL RETARDATION, AUTOSOMAL DOMINANT 56; Intellectual disability, autosomal dominant 56. Identifiers: MedGen C4693389, MONDO:0030922, OMIM 617854.

Allele frequency attached by ClinVar (database versions not stated): gnomAD exomes below 0.00001.
gnomAD v4.1: 1 of 1,608,798 alleles (0.000062%); highest among the groups gnomAD compares: South Asian, 0.0011%; no homozygotes.

Submissions (4):

Foundation for Research in Genetics and Endocrinology, FRIGE's Institute of Human Genetics
Classification: Uncertain significance for Intellectual developmental disorder, autosomal dominant 56. Last evaluated: 2025-04-22. Review status: criteria provided, single submitter. Criteria: ACMG Guidelines, 2015. Collection method: clinical testing. Allele origin: germline. Inheritance: Autosomal dominant inheritance. Affected: yes. Observed: 1 heterozygote.
Comment: A heterozygous missense variant in exon 29 of the CLTC gene that results in an amino acid substitution of Glycine for Alanine at codon 1496 was detected. The observed variant c.4487C>G (p.Ala1496GLy) has not been reported in the 1000 genomes but has a MAF of 0.00007% in the gnomAD databases. The in-silico prediction of the variant are deleterious by LRT, SIFT, PROVEAN and MutationTaster. This variant has previously been reported in the ClinVar database (ID: VCV001374537.9). The reference codon is conserved across species. In summary, the variant meets our criteria to be classified as the variant of uncertain significance.

GeneDx
Classification: Uncertain significance. Last evaluated: 2023-10-20. Review status: criteria provided, single submitter. Criteria: GeneDx Variant Classification Process June 2021. Collection method: clinical testing. Allele origin: germline. Affected: yes.
Comment: Not observed at significant frequency in large population cohorts (gnomAD); In silico analysis supports that this missense variant has a deleterious effect on protein structure/function; Has not been previously published as pathogenic or benign to our knowledge

Labcorp Genetics (formerly Invitae), Labcorp
Classification: Uncertain significance. Last evaluated: 2022-02-04. Review status: criteria provided, single submitter. Criteria: Invitae Variant Classification Sherloc (09022015). Collection method: clinical testing. Allele origin: germline.
Comment: In summary, the available evidence is currently insufficient to determine the role of this variant in disease. Therefore, it has been classified as a Variant of Uncertain Significance. Algorithms developed to predict the effect of sequence changes on RNA splicing suggest that this variant may create or strengthen a splice site. Algorithms developed to predict the effect of missense changes on protein structure and function are either unavailable or do not agree on the potential impact of this missense change (SIFT: "Deleterious"; PolyPhen-2: "Not Available"; Align-GVGD: "Class C0"). This variant has not been reported in the literature in individuals affected with CLTC-related conditions. This variant is not present in population databases (gnomAD no frequency). This sequence change replaces alanine, which is neutral and non-polar, with glycine, which is neutral and non-polar, at codon 1500 of the CLTC protein (p.Ala1500Gly).

Neuberg Centre For Genomic Medicine, NCGM
Classification: Uncertain significance for Intellectual developmental disorder, autosomal dominant 56. Review status: criteria provided, single submitter. Criteria: ACMG Guidelines, 2015. Collection method: clinical testing. Allele origin: germline. Inheritance: Autosomal dominant inheritance. Affected: yes.
Comment: The missense variant c.4487C>G (p.Ala1496Gly) in the CLTC gene has not been reported previously as a pathogenic variant nor as a benign variant, to our knowledge. This variant is absent in the gnomAD Exomes. This variant has been reported to the ClinVar database as Uncertain Significance. However, no details are available for independent assessment. The amino acid Ala at position 1496 is changed to a Gly changing protein sequence and it might alter its composition and physico-chemical properties. Multiple lines of computational evidence (Polyphen - Damaging, SIFT - Damaging and MutationTaster - Disease causing) predict a damaging effect on protein structure and function for this variant. The amino acid change p.Ala1496Gly in CLTC is predicted as conserved by GERP++ and PhyloP across 100 vertebrates. For these reasons, this variant has been classified as Uncertain Significance.

NM_004859.4(CLTC):c.4487C>G (p.Ala1496Gly)

Genes: CLTC (clathrin heavy chain; plus strand), LOC125177523 (Sharpr-MPRA regulatory region 12460; plus strand). Cytogenetic location: 17q23.1.
Variant type: single nucleotide variant.
Coding change: c.4487C>G on transcript NM_004859.4 (MANE Select); coding-DNA position 4487, C replaced by G.
Protein change: p.Ala1496Gly; replaces alanine 1496 with glycine.
Molecular consequence: missense variant.
Genome position (GRCh38, 1-based): chr17:59,685,108, C>G. VCF-style: chr17-59685108-C-G. GRCh37 (hg19) VCF-style: chr17-57762469-C-G.
Other names: p.Ala1496Gly; c.4499C>G, p.Ala1500Gly (NM_001288653.2); c.4499C>G (NM_001288653.1); short protein forms A1496G, A1500G.
Identifiers: ClinVar variation 1374537 (VCV001374537.11), dbSNP rs2143600686, ClinGen allele CA400421755.
Genomic context (GRCh38, chr17:59,685,108, plus strand): 5'-TTTTTAAGGCTCTGCGAACATCAATAGATGCTTATGACAACTTTGACAATATCTCGCTTG[C>G]TCAGCGTTTGGAAAAACATGAACTCATTGAGTTCAGGAGAATTGCTGCTTATCTCTTCAA-3'
Protein context (NP_004850.1, residues 1486-1506): AYDNFDNISL[Ala1496Gly]QRLEKHELIE